The following is an entry in ClinVar:

ClinVar aggregate classification (germline): Uncertain significance (1 of 4 stars; one submission).

Conditions:
Inborn genetic diseases. Identifiers: MedGen C0950123, MeSH D030342.

gnomAD v4.1: 1 of 1,614,172 alleles (0.000062%); highest among the groups gnomAD compares: Non-Finnish European, 0.000085%; no homozygotes.

Submission:

Ambry Genetics
Classification: Uncertain significance for Inborn genetic diseases. Last evaluated: 2026-07-19. Review status: criteria provided, single submitter. Criteria: Ambry Variant Classification Scheme 2023. Collection method: clinical testing. Allele origin: germline.
Comment: The c.730A>G (p.N244D) alteration is located in exon 9 (coding exon 7) of the EYA1 gene. This alteration results from a A to G substitution at nucleotide position 730, causing the asparagine (N) at amino acid position 244 to be replaced by an aspartic acid (D). Based on data from gnomAD, the G allele has an overall frequency of <0.001% (1/251468) total alleles studied. The highest observed frequency was 0.001% (1/113766) of European (non-Finnish) alleles. Based on insufficient or conflicting evidence, the clinical significance of this alteration remains unclear.

NM_000503.6(EYA1):c.730A>G (p.Asn244Asp)

Gene: EYA1 (EYA transcriptional coactivator and phosphatase 1; minus strand). Cytogenetic location: 8q13.3.
Variant type: single nucleotide variant.
Coding change: c.730A>G on transcript NM_000503.6 (MANE Select); coding-DNA position 730, A replaced by G.
Protein change: p.Asn244Asp; replaces asparagine 244 with aspartic acid.
Molecular consequence: missense variant.
Genome position (GRCh38, 1-based): chr8:71,299,143, T>C on the plus strand (A>G on the coding strand, the complement: EYA1 is on the minus strand). VCF-style: chr8-71299143-T-C. GRCh37 (hg19) VCF-style: chr8-72211378-T-C.
Other names: c.712A>G, p.Asn238Asp (NM_001288574.2); c.364A>G, p.Asn122Asp (NM_001288575.2); c.817A>G, p.Asn273Asp (NM_001370333.1); c.730A>G, p.Asn244Asp (NM_001370334.1, NM_001370335.1, NM_172058.4); c.799A>G, p.Asn267Asp (NM_001370336.1); c.631A>G, p.Asn211Asp (NM_001411797.1, NM_172060.4); c.802A>G, p.Asn268Asp (NM_172059.5); short protein forms N122D, N268D, N267D, N244D, N211D, N238D, N273D.
Identifiers: ClinVar variation 5036251 (VCV005036251.1).